The following is an entry in ClinVar:

ClinVar aggregate classification (germline): Pathogenic. Review status: criteria provided, multiple submitters, no conflicts (2 of 4 stars). 7 submissions from 7 submitters: Pathogenic (7). Last evaluated 2026-01-12.

Conditions:
RASopathy. Also called: Noonan spectrum disorder; rasopathies. Identifiers: Orphanet 536391, MedGen C5555857, MONDO:0021060.
RIT1-related disorder. Also called: RIT1-related condition.
Noonan syndrome 8 (NS8). Identifiers: Orphanet 648, MedGen C3809233, MONDO:0014143, OMIM 615355.

Submissions (7):

PreventionGenetics, part of Exact Sciences
Classification: Pathogenic for RIT1-related condition. Last evaluated: 2026-01-12. Review status: criteria provided, single submitter. Criteria: ACMG Guidelines, 2015. Collection method: clinical testing. Allele origin: germline.
Comment: The RIT1 c.296T>G variant is predicted to result in the amino acid substitution p.Phe99Cys. This variant can also be designated c.245T>G (p.Phe82Cys) on another transcript (NM_006912.6). This variant has been reported to be causative for Noonan syndrome in multiple affected individuals, and has been documented as a de novo finding (p.F82C in Yates et al. 2017. PubMed ID: 28425981; Miceikaite et al. 2021. PubMed ID: 34306696). Of note, multiple different substitutions at the same codon have also been reported to be pathogenic for Noonan syndrome (Human Gene Mutation Database; see for example at Aoki et al. 2013. PubMed ID: 23791108). This variant has not been reported in a large population database (gnomAD), indicating this variant is rare. This variant is interpreted as pathogenic.

Women's Health and Genetics/Laboratory Corporation of America, LabCorp
Classification: Pathogenic for RASopathy. Last evaluated: 2024-07-08. Review status: criteria provided, single submitter. Criteria: LabCorp Variant Classification Summary - May 2015. Collection method: clinical testing. Allele origin: germline.
Comment: Variant summary: RIT1 c.245T>G (p.Phe82Cys) results in a non-conservative amino acid change located in the Small GTP-binding protein domain (IPR005225) of the encoded protein sequence. Five of five in-silico tools predict a damaging effect of the variant on protein function. The frequency data for this variant in gnomAD is considered unreliable, as metrics indicate poor data quality at this position. c.245T>G has been reported in the literature in multiple individuals affected with Noonan Syndrome, including as a de novo occurrence (e.g. Miceikaite_2021, Yates_2017). These data indicate that the variant may be associated with disease. A different variant affecting the same codon has been classified as pathogenic by our lab (c.244T>C, p.Phe82Leu), supporting the critical relevance of codon 82 to RIT1 protein function. To our knowledge, no experimental evidence demonstrating an impact on protein function has been reported. The following publications have been ascertained in the context of this evaluation (PMID: 34306696, 28425981). ClinVar contains an entry for this variant (Variation ID: 372863). Based on the evidence outlined above, the variant was classified as pathogenic.

GeneDx
Classification: Pathogenic. Last evaluated: 2024-02-13. Review status: criteria provided, single submitter. Criteria: GeneDx Variant Classification Process June 2021. Collection method: clinical testing. Allele origin: germline. Affected: yes.
Comment: Identified in fetuses with ultrasound findings consistent with Noonan syndrome, including increased nuchal translucency, cystic hygroma and cardiac defects, at GeneDx and in published literature (PMID: 28425981, 31301176, 34306696); Not observed in large population cohorts (gnomAD); In silico analysis supports that this missense variant has a deleterious effect on protein structure/function; This variant is associated with the following publications: (PMID: 23765226, 28425981, 32154134, 34306696, 31301176)

Genome-Nilou Lab
Classification: Pathogenic for Noonan syndrome 8. Last evaluated: 2023-04-11. Review status: criteria provided, single submitter. Criteria: ACMG Guidelines, 2015. Collection method: clinical testing. Allele origin: germline. Affected: no.

Revvity Omics, Revvity
Classification: Pathogenic for Noonan syndrome 8. Last evaluated: 2021-09-22. Review status: criteria provided, single submitter. Criteria: ACMG Guidelines, 2015. Collection method: clinical testing. Allele origin: germline.

Clinical Genetics Service, Universitary Hospital 12 de Octubre
Classification: Pathogenic for Noonan syndrome 8. Review status: criteria provided, single submitter. Criteria: ACMG Guidelines, 2015. Collection method: clinical testing. Allele origin: germline. Affected: yes.

Juno Genomics, Hangzhou Juno Genomics, Inc
Classification: Pathogenic for Noonan syndrome 8. Review status: criteria provided, single submitter. Criteria: ACMG Guidelines, 2015. Collection method: clinical testing. Allele origin: germline. Affected: yes.
Comment: Absent from controls (or at extremely low frequency if recessive) in Genome Aggregation Database, Exome Sequencing Project, 1000 Genomes Project, or Exome Aggregation Consortium.;The prevalence of the variant in affected individuals is significantly increased compared to the prevalence in controls.;De novo (both maternity and paternity confirmed) in a patient with the disease and no family history.;Novel missense change at an amino acid residue where a different missense change determined to be pathogenic has been seen before.;Multiple lines of computational evidence support a deleterious effect on the gene or gene product (conservation, evolutionary, splicing impact, etc).

Literature cited by the submitters: PubMed 28425981 (cited by Women's Health and Genetics/Laboratory Corporation of America, LabCorp); PubMed 34306696 (cited by Women's Health and Genetics/Laboratory Corporation of America, LabCorp).

NM_006912.6(RIT1):c.245T>G (p.Phe82Cys)

Gene: RIT1 (Ras like without CAAX 1; minus strand). Cytogenetic location: 1q22.
Variant type: single nucleotide variant.
Coding change: c.245T>G on transcript NM_006912.6 (MANE Select); coding-DNA position 245, T replaced by G.
Protein change: p.Phe82Cys; replaces phenylalanine 82 with cysteine.
Molecular consequence: missense variant.
Genome position (GRCh38, 1-based): chr1:155,904,495, A>C on the plus strand (T>G on the coding strand, the complement: RIT1 is on the minus strand). VCF-style: chr1-155904495-A-C. GRCh37 (hg19) VCF-style: chr1-155874286-A-C.
Other names: c.137T>G, p.Phe46Cys (NM_001256820.2); c.296T>G, p.Phe99Cys (NM_001256821.2); c.245T>G, p.Phe82Cys (LRG_1372t1); c.296T>G (NM_001256821.1); short protein forms F82C, F99C, F46C.
Identifiers: ClinVar variation 372863 (VCV000372863.13), dbSNP rs868208063, ClinGen allele CA16042308.
Genomic context (GRCh38, chr1:155,904,495, plus strand): 5'-ATAGAGTAACAGATGATAAACCCTTCTCCTGCCCTCATATACTGGTCCCGCATGGCTGTA[A>C]ACTCTGCCTAGAGGGAAACAAGGGTCATTATGTATTGACGCAATCTAGCCCAACTACACA-3'
Protein context (NP_008843.1, residues 72-92): DILDTAGQAE[Phe82Cys]TAMRDQYMRA